The following is an entry in ClinVar:

ClinVar aggregate classification (germline): Uncertain significance (1 of 4 stars; one submission).

Conditions:
Welander distal myopathy (WDM). Also called: Gower's muscular dystrophy; MUSCULAR DYSTROPHY, DISTAL, LATE-ONSET, AUTOSOMAL DOMINANT; Welander distal myopathy, Swedish type; Distal myopathy, Swedish type. Identifiers: Orphanet 603, MedGen C0221054, MONDO:0011466, OMIM 604454.

Allele frequency attached by ClinVar (database versions not stated): gnomAD 0.00001; gnomAD exomes 0.00001; TOPMed 0.00001.
gnomAD v4.1: 20 of 1,614,010 alleles (0.0012%); highest among the groups gnomAD compares: Non-Finnish European, 0.0016%; no homozygotes.

Submission:

Labcorp Genetics (formerly Invitae), Labcorp
Classification: Uncertain significance for Welander distal myopathy. Last evaluated: 2019-09-13. Review status: criteria provided, single submitter. Criteria: Invitae Variant Classification Sherloc (09022015). Collection method: clinical testing. Allele origin: germline.
Comment: This sequence change results in a premature translational stop signal in the TIA1 gene (p.Gln366*). While this is not anticipated to result in nonsense mediated decay, it is expected to disrupt the last 21 amino acids of the TIA1 protein. This variant is not present in population databases (ExAC no frequency). This variant has not been reported in the literature in individuals with TIA1-related conditions. In summary, the available evidence is currently insufficient to determine the role of this variant in disease. Therefore, it has been classified as a Variant of Uncertain Significance. This variant disrupts the C-terminal region of the in TIA1 protein. Other variant(s) that disrupt this region (p.Glu384Lys) have been determined to be pathogenic (PMID: 23348830, 23401021). This suggests that this residue is clinically significant, and that variants that disrupt this residue are likely to be disease-causing. Algorithms developed to predict the effect of sequence changes on RNA splicing suggest that this variant may create or strengthen a splice site, but this prediction has not been confirmed by published transcriptional studies.

Literature cited by the submitters: PubMed 23348830; PubMed 23401021.

NM_022173.4(TIA1):c.1096C>T (p.Gln366Ter)

Gene: TIA1 (TIA1 cytotoxic granule associated RNA binding protein; minus strand). Cytogenetic location: 2p13.3.
Variant type: single nucleotide variant.
Coding change: c.1096C>T on transcript NM_022173.4 (MANE Select); coding-DNA position 1096, C replaced by T.
Protein change: p.Gln366Ter; replaces glutamine 366 with a stop codon.
Molecular consequence: nonsense. On other transcripts: non-coding transcript variant (17).
Genome position (GRCh38, 1-based): chr2:70,212,784, G>A on the plus strand (C>T on the coding strand, the complement: TIA1 is on the minus strand). VCF-style: chr2-70212784-G-A. GRCh37 (hg19) VCF-style: chr2-70439916-G-A.
Other names: c.1093C>T, p.Gln365Ter (NM_001351508.2); c.1069C>T, p.Gln357Ter (NM_001351509.2); c.1060C>T, p.Gln354Ter (NM_001351510.2); c.985C>T, p.Gln329Ter (NM_001351511.1); c.958C>T, p.Gln320Ter (NM_001351512.1); c.952C>T, p.Gln318Ter (NM_001351513.1); c.868C>T, p.Gln290Ter (NM_001351514.2); c.793C>T, p.Gln265Ter (NM_001351515.2); and 3 more; short protein forms Q329*, Q290*, Q357*, Q366*, Q226*, Q265*, Q320*, Q354*.
Identifiers: ClinVar variation 936032 (VCV000936032.9), dbSNP rs935618716, ClinGen allele CA49622897.